The following is an entry in ClinVar:

NM_006514.4(SCN10A):c.2935G>T (p.Gly979Cys)

Genes: SCN10A (sodium voltage-gated channel alpha subunit 10; minus strand), LOC110121288 (VISTA enhancer hs2268; plus strand). Cytogenetic location: 3p22.2.
Variant type: single nucleotide variant.
Coding change: c.2935G>T on transcript NM_006514.4 (MANE Select); coding-DNA position 2935, G replaced by T.
Protein change: p.Gly979Cys; replaces glycine 979 with cysteine.
Molecular consequence: missense variant.
Genome position (GRCh38, 1-based): chr3:38,726,758, C>A on the plus strand (G>T on the coding strand, the complement: SCN10A is on the minus strand). VCF-style: chr3-38726758-C-A. GRCh37 (hg19) VCF-style: chr3-38768249-C-A.
Other names: c.2935G>T, p.Gly979Cys (NM_001293306.2); c.2641G>T, p.Gly881Cys (NM_001293307.2); short protein forms G881C, G979C.
Identifiers: ClinVar variation 1410608 (VCV001410608.6), dbSNP rs752287839, ClinGen allele CA2320400.

ClinVar aggregate classification (germline): Uncertain significance (1 of 4 stars; one submission).

Conditions:
Brugada syndrome. Also called: Sudden Unexplained Death Syndrome; Sudden unexpected nocturnal death syndrome; Sudden unexplained nocturnal death syndrome; Sudden Unexplained Nocturnal Death Syndrome (SUNDS). Identifiers: Orphanet 130, MedGen C1142166, MONDO:0015263.

Allele frequency attached by ClinVar (database versions not stated): TOPMed below 0.00001; ExAC 0.00001; gnomAD 0.00001; gnomAD exomes 0.00001.
gnomAD v4.1: 4 of 1,611,734 alleles (0.00025%); highest among the groups gnomAD compares: Admixed American, 0.0067%; no homozygotes.

Submission:

Labcorp Genetics (formerly Invitae), Labcorp
Classification: Uncertain significance for Brugada syndrome. Last evaluated: 2021-10-08. Review status: criteria provided, single submitter. Criteria: Invitae Variant Classification Sherloc (09022015). Collection method: clinical testing. Allele origin: germline.
Comment: In summary, the available evidence is currently insufficient to determine the role of this variant in disease. Therefore, it has been classified as a Variant of Uncertain Significance. Advanced modeling of protein sequence and biophysical properties (such as structural, functional, and spatial information, amino acid conservation, physicochemical variation, residue mobility, and thermodynamic stability) performed at Invitae indicates that this missense variant is not expected to disrupt SCN10A protein function. This variant has not been reported in the literature in individuals affected with SCN10A-related conditions. This variant is present in population databases (rs752287839, ExAC 0.009%). This sequence change replaces glycine with cysteine at codon 979 of the SCN10A protein (p.Gly979Cys). The glycine residue is weakly conserved and there is a large physicochemical difference between glycine and cysteine.